The following is an entry in ClinVar:

NM_006415.4(SPTLC1):c.970G>A (p.Val324Ile)

Gene: SPTLC1 (serine palmitoyltransferase long chain base subunit 1; minus strand). Cytogenetic location: 9q22.31.
Variant type: single nucleotide variant.
Coding change: c.970G>A on transcript NM_006415.4 (MANE Select); coding-DNA position 970, G replaced by A.
Protein change: p.Val324Ile; replaces valine 324 with isoleucine.
Molecular consequence: missense variant.
Genome position (GRCh38, 1-based): chr9:92,047,627, C>T on the plus strand (G>A on the coding strand, the complement: SPTLC1 is on the minus strand). VCF-style: chr9-92047627-C-T. GRCh37 (hg19) VCF-style: chr9-94809909-C-T.
Other names: c.970G>A, p.Val324Ile (NM_001281303.2); c.604G>A, p.Val202Ile (NM_001368272.1); c.505G>A, p.Val169Ile (NM_001368273.1); short protein forms V169I, V324I, V202I.
Identifiers: ClinVar variation 2123958 (VCV002123958.4), dbSNP rs767496428, ClinGen allele CA373792658.
Genomic context (GRCh38, chr9:92,047,627, plus strand): 5'-GAGAAATTAGTTTCAGTTTTAGCTCCTGTTTTTAAAAAGAACCCACCTGATGGTCAATTA[C>T]AAAAGACCTGCCACAGCAGAAACCTCCAATAGAAGCAAGTGCATTCTCCATGTTGGCACT-3'
Protein context (NP_006406.1, residues 314-334): IGGFCCGRSF[Val324Ile]IDHQRLSGQG

ClinVar aggregate classification (germline): Uncertain significance (1 of 4 stars; one submission).

Conditions:
Hereditary sensory and autonomic neuropathy type 1 (HSAN1). Also called: HSAN 1; HSN Type I; Hereditary Sensory Neuropathy Type I. Identifiers: Orphanet 36386, MedGen C0020071, MONDO:0018213.

Submission:

Labcorp Genetics (formerly Invitae), Labcorp
Classification: Uncertain significance for Hereditary sensory and autonomic neuropathy type 1. Last evaluated: 2022-06-12. Review status: criteria provided, single submitter. Criteria: Invitae Variant Classification Sherloc (09022015). Collection method: clinical testing. Allele origin: germline.
Comment: In summary, the available evidence is currently insufficient to determine the role of this variant in disease. Therefore, it has been classified as a Variant of Uncertain Significance. Algorithms developed to predict the effect of missense changes on protein structure and function (SIFT, PolyPhen-2, Align-GVGD) all suggest that this variant is likely to be tolerated. This variant has not been reported in the literature in individuals affected with SPTLC1-related conditions. This variant is not present in population databases (gnomAD no frequency). This sequence change replaces valine, which is neutral and non-polar, with isoleucine, which is neutral and non-polar, at codon 324 of the SPTLC1 protein (p.Val324Ile).